The following is an entry in ClinVar:

ClinVar aggregate classification (germline): Uncertain significance (1 of 4 stars; one submission).

Conditions:
Hypokalemic periodic paralysis, type 1. Also called: Hypokalemic Periodic Paralysis Type 1 (AD); HypoPP. Identifiers: Orphanet 681, MedGen C3714580, MONDO:0042979, OMIM 170400.
Malignant hyperthermia, susceptibility to, 5 (MHS5). Also called: CACNA1S-Related Malignant Hyperthermia Susceptibility. Identifiers: Orphanet 423, MedGen C1866077, MONDO:0011163, OMIM 601887.

gnomAD v4.1: 2 of 1,614,214 alleles (0.00012%); highest among the groups gnomAD compares: African/African-American, 0.0013%; no homozygotes.

Submission:

Labcorp Genetics (formerly Invitae), Labcorp
Classification: Uncertain significance for Hypokalemic periodic paralysis, type 1; Malignant hyperthermia, susceptibility to, 5. Last evaluated: 2024-11-24. Review status: criteria provided, single submitter. Criteria: Invitae Variant Classification Sherloc (09022015). Collection method: clinical testing. Allele origin: germline.
Comment: This sequence change replaces threonine, which is neutral and polar, with asparagine, which is neutral and polar, at codon 477 of the CACNA1S protein (p.Thr477Asn). This variant is not present in population databases (gnomAD no frequency). This variant has not been reported in the literature in individuals affected with CACNA1S-related conditions. Invitae Evidence Modeling of protein sequence and biophysical properties (such as structural, functional, and spatial information, amino acid conservation, physicochemical variation, residue mobility, and thermodynamic stability) indicates that this missense variant is not expected to disrupt CACNA1S protein function with a negative predictive value of 95%. In summary, the available evidence is currently insufficient to determine the role of this variant in disease. Therefore, it has been classified as a Variant of Uncertain Significance.

NM_000069.3(CACNA1S):c.1430C>A (p.Thr477Asn)

Gene: CACNA1S (calcium voltage-gated channel subunit alpha1 S; minus strand). Cytogenetic location: 1q32.1.
Variant type: single nucleotide variant.
Coding change: c.1430C>A on transcript NM_000069.3 (MANE Select); coding-DNA position 1430, C replaced by A.
Protein change: p.Thr477Asn; replaces threonine 477 with asparagine.
Molecular consequence: missense variant.
Genome position (GRCh38, 1-based): chr1:201,078,068, G>T on the plus strand (C>A on the coding strand, the complement: CACNA1S is on the minus strand). VCF-style: chr1-201078068-G-T. GRCh37 (hg19) VCF-style: chr1-201047196-G-T.
Other names: short protein forms T477N.
Identifiers: ClinVar variation 3763095 (VCV003763095.2).